The following is an entry in ClinVar:

NM_006579.3(EBP):c.203G>A (p.Trp68Ter)

Gene: EBP (EBP cholestenol delta-isomerase; plus strand). Cytogenetic location: Xp11.23.
Variant type: single nucleotide variant.
Coding change: c.203G>A on transcript NM_006579.3 (MANE Select); coding-DNA position 203, G replaced by A.
Protein change: p.Trp68Ter; replaces tryptophan 68 with a stop codon.
Molecular consequence: nonsense.
Genome position (GRCh38, 1-based): chrX:48,523,974, G>A. VCF-style: chrX-48523974-G-A. GRCh37 (hg19) VCF-style: chrX-48382362-G-A.
Other names: short protein forms W68*.
Identifiers: ClinVar variation 989351 (VCV000989351.4), dbSNP rs2061771803, ClinGen allele CA412851526.

ClinVar aggregate classification (germline): Pathogenic (1 of 4 stars; one submission).

Conditions:
Chondrodysplasia punctata 2 X-linked dominant (CDPX2). Also called: Hunermann-Conradi Syndrome; CONRADI-HUNERMANN-HAPPLE SYNDROME; HAPPLE SYNDROME; EBP-Related X-Linked Chondrodysplasia Punctata. Identifiers: Orphanet 35173, MedGen C0282102, MONDO:0020603, OMIM 302960.

Submission:

Illumina Laboratory Services, Illumina
Classification: Pathogenic for Chondrodysplasia punctata 2 X-linked dominant. Last evaluated: 2019-08-23. Review status: criteria provided, single submitter. Criteria: ICSLVariantClassificationCriteria RUGD 01 April 2020. Collection method: clinical testing. Allele origin: unknown.
Comment: The EBP c.203G>A (p.Trp68Ter) variant is a stop-gained variant that has been reported in one study, in which it is found in a heterozygous state in an affected mother and daughter with X-linked chondrodysplasia punctata type II (Has et al. 2000). The p.Trp68Ter variant was absent from 150 control chromosomes and is not found in the Genome Aggregation Database in a region of good sequence coverage, so the variant is presumed to be rare. Based on the potential impact of truncating variants, absence from population frequency databases, and identification in affected individuals, the p.Trp68Ter variant is classified as pathogenic for X-linked chondrodysplasia punctata type II.

Literature cited by the submitters: PubMed 10942423.